The following is an entry in ClinVar:

ClinVar aggregate classification (germline): Uncertain significance (1 of 4 stars; one submission).

Allele frequency attached by ClinVar (database versions not stated): TOPMed below 0.00001.
gnomAD v4.1: 4 of 1,524,890 alleles (0.00026%); highest among the groups gnomAD compares: Admixed American, 0.006%; no homozygotes.

Submission:

Labcorp Genetics (formerly Invitae), Labcorp
Classification: Uncertain significance. Last evaluated: 2022-09-13. Review status: criteria provided, single submitter. Criteria: Invitae Variant Classification Sherloc (09022015). Collection method: clinical testing. Allele origin: germline.
Comment: In summary, the available evidence is currently insufficient to determine the role of this variant in disease. Therefore, it has been classified as a Variant of Uncertain Significance. Variants that disrupt the consensus splice site are a relatively common cause of aberrant splicing (PMID: 17576681, 9536098). Algorithms developed to predict the effect of sequence changes on RNA splicing suggest that this variant is not likely to affect RNA splicing. This variant has not been reported in the literature in individuals affected with IMPDH1-related conditions. The frequency data for this variant in the population databases is considered unreliable, as metrics indicate poor data quality at this position in the gnomAD database. This sequence change falls in intron 1 of the IMPDH1 gene. It does not directly change the encoded amino acid sequence of the IMPDH1 protein. It affects a nucleotide within the consensus splice site.

Literature cited by the submitters: PubMed 17576681; PubMed 9536098.

NM_000883.4(IMPDH1):c.146+5C>A

Genes: IMPDH1 (inosine monophosphate dehydrogenase 1; minus strand), LOC129999258 (ATAC-STARR-seq lymphoblastoid silent region 18606; plus strand). Cytogenetic location: 7q32.1.
Variant type: single nucleotide variant.
Coding change: c.146+5C>A on transcript NM_000883.4 (MANE Select); 5 bases into the intron after coding-DNA position 146, C replaced by A.
Molecular consequence: intron variant.
Genome position (GRCh38, 1-based): chr7:128,409,751, G>T on the plus strand (C>A on the coding strand, the complement: IMPDH1 is on the minus strand). VCF-style: chr7-128409751-G-T. GRCh37 (hg19) VCF-style: chr7-128049805-G-T.
Other names: c.146+5C>A (NM_001304521.2, NM_183243.3, NM_001102605.2 and 1 more transcripts).
Identifiers: ClinVar variation 2179431 (VCV002179431.4), dbSNP rs1311267613, ClinGen allele CA578149338.